The following is an entry in ClinVar:

NM_182961.4(SYNE1):c.20182C>T (p.Arg6728Cys)

Gene: SYNE1 (spectrin repeat containing nuclear envelope protein 1; minus strand). Cytogenetic location: 6q25.2.
Variant type: single nucleotide variant.
Coding change: c.20182C>T on transcript NM_182961.4 (MANE Select); coding-DNA position 20182, C replaced by T.
Protein change: p.Arg6728Cys; replaces arginine 6728 with cysteine.
Molecular consequence: missense variant.
Genome position (GRCh38, 1-based): chr6:152,236,834, G>A on the plus strand (C>T on the coding strand, the complement: SYNE1 is on the minus strand). VCF-style: chr6-152236834-G-A. GRCh37 (hg19) VCF-style: chr6-152557969-G-A.
Other names: c.19969C>T (NM_033071.3); c.19969C>T, p.Arg6657Cys (NM_033071.5); short protein forms R6657C, R6728C.
Identifiers: ClinVar variation 440314 (VCV000440314.44), dbSNP rs150063353, ClinGen allele CA4054479.
Genomic context (GRCh38, chr6:152,236,834, plus strand): 5'-TTGGTAAGTTTCTAAAGGCAATGTGGCGGCTTGTAACACCAACCTGGTAGAGTGTTATGC[G>A]GTCAATAAGCCTGTCCTCGTTCTCCTCCACCAGACCCACGCTTGGGATGCTGCTTTCCAC-3'
Protein context (NP_892006.3, residues 6718-6738): VEENEDRLID[Arg6728Cys]ITLYQHLKSS

ClinVar aggregate classification (germline): Uncertain significance. Review status: criteria provided, multiple submitters, no conflicts (2 of 4 stars). 9 submissions from 9 submitters: Uncertain significance (9). Last evaluated 2026-06-12.

Conditions:
SYNE1-related disorder. Also called: SYNE1-related disease; SYNE1-related condition; SYNE1-related disorders.
Autosomal recessive ataxia, Beauce type. Also called: ATAXIA, RECESSIVE, OF BEAUCE; SYNE1 Deficiency; SYNE1-Related Autosomal Recessive Cerebellar Ataxia; Spinocerebellar ataxia, autosomal recessive 8. Identifiers: Orphanet 88644, MedGen C1853116, MONDO:0012549, OMIM 610743.
Emery-Dreifuss muscular dystrophy 4, autosomal dominant (EDMD4). Also called: EMERY-DREIFUSS MUSCULAR DYSTROPHY 4 WITH VARIABLE FEATURES. Identifiers: Orphanet 261, MedGen C2751807, MONDO:0013071, OMIM 612998.

Allele frequency attached by ClinVar (database versions not stated): ExAC 0.00003; gnomAD exomes 0.00003 and 0.00008; gnomAD 0.00009; TOPMed 0.00011; 1000 Genomes Project 0.00020; ESP Exome Variant Server 0.00023; 1000 Genomes Project 30x 0.00031.
gnomAD v4.1: 57 of 1,614,120 alleles (0.0035%); highest among the groups gnomAD compares: Admixed American, 0.025%; no homozygotes.

Submissions (9):

PreventionGenetics, part of Exact Sciences
Classification: Uncertain significance for SYNE1-related condition. Last evaluated: 2026-06-12. Review status: criteria provided, single submitter. Criteria: ACMG Guidelines, 2015. Collection method: clinical testing. Allele origin: germline.
Comment: The SYNE1 c.19969C>T variant is predicted to result in the amino acid substitution p.Arg6657Cys. This variant has been reported with a second SYNE1 variant in an individual with spastic ataxia (eTable 3, reported as c.20182C>T (p.R6728C) in Coutelier et al. 2018. PubMed ID: 29482223). This variant was also reported to occur de novo in a patient with autism spectrum disorder (Table S2, Turner et al. 2019. PubMed ID: 31785789; Supp. Data 3, Zhou et al. 2022. PubMed ID: 35982159). This variant is reported in 0.037% of alleles in individuals of Latino descent in gnomAD, which may be too frequent to be a primary cause of autosomal dominant disease. At this time, the clinical significance of this variant is uncertain due to the absence of conclusive functional and genetic evidence.

Women's Health and Genetics/Laboratory Corporation of America, LabCorp
Classification: Uncertain significance. Last evaluated: 2025-01-13. Review status: criteria provided, single submitter. Criteria: LabCorp Variant Classification Summary - May 2015. Collection method: clinical testing. Allele origin: germline.
Comment: Variant summary: SYNE1 c.19969C>T (p.Arg6657Cys) results in a non-conservative amino acid change in the encoded protein sequence. Four of five in-silico tools predict a damaging effect of the variant on protein function. The variant allele was found at a frequency of 8.4e-05 in 251436 control chromosomes. This frequency is not significantly higher than estimated for a pathogenic variant in SYNE1 causing Autosomal recessive ataxia, Beauce type (8.4e-05 vs 0.0011), allowing no conclusion about variant significance. c.19969C>T has been reported in the literature in individuals affected with spastic ataxia or developmental disorders (Coutelier_2018, Turner_2019, Kaplanis_2020, Zhou_2022). These report(s) do not provide unequivocal conclusions about association of the variant with Autosomal recessive ataxia, Beauce type. To our knowledge, no experimental evidence demonstrating an impact on protein function has been reported. The following publications have been ascertained in the context of this evaluation (PMID: 29482223, 33057194, 31785789, 35982159). ClinVar contains an entry for this variant (Variation ID: 440314). Based on the evidence outlined above, the variant was classified as uncertain significance.

Labcorp Genetics (formerly Invitae), Labcorp
Classification: Uncertain significance for Emery-Dreifuss muscular dystrophy 4, autosomal dominant; Autosomal recessive ataxia, Beauce type. Last evaluated: 2024-05-20. Review status: criteria provided, single submitter. Criteria: Invitae Variant Classification Sherloc (09022015). Collection method: clinical testing. Allele origin: germline.
Comment: This sequence change replaces arginine, which is basic and polar, with cysteine, which is neutral and slightly polar, at codon 6657 of the SYNE1 protein (p.Arg6657Cys). This variant is present in population databases (rs150063353, gnomAD 0.03%). This missense change has been observed in individual(s) with clinical features of autosomal recessive spastic ataxia (PMID: 29482223). This variant is also known as p.R6728C. ClinVar contains an entry for this variant (Variation ID: 440314). An algorithm developed to predict the effect of missense changes on protein structure and function (PolyPhen-2) suggests that this variant is likely to be disruptive. In summary, the available evidence is currently insufficient to determine the role of this variant in disease. Therefore, it has been classified as a Variant of Uncertain Significance.

CeGaT Center for Human Genetics Tuebingen
Classification: Uncertain significance. Last evaluated: 2023-02-01. Review status: criteria provided, single submitter. Criteria: CeGaT Center For Human Genetics Tuebingen Variant Classification Criteria Version 2. Collection method: clinical testing. Allele origin: germline. Affected: yes. Observed: 1 variant allele.
Comment: SYNE1: PM2

Revvity Omics, Revvity
Classification: Uncertain significance. Last evaluated: 2020-06-15. Review status: criteria provided, single submitter. Criteria: ACMG Guidelines, 2015. Collection method: clinical testing. Allele origin: germline.

Athena Diagnostics
Classification: Uncertain significance. Last evaluated: 2019-02-25. Review status: criteria provided, single submitter. Criteria: Athena Diagnostics Criteria. Collection method: clinical testing. Allele origin: germline.

Blueprint Genetics
Classification: Uncertain significance. Last evaluated: 2019-02-21. Review status: criteria provided, single submitter. Criteria: ACMG Guidelines, 2015. Collection method: clinical testing. Allele origin: germline.

ARUP Laboratories, Molecular Genetics and Genomics, ARUP Laboratories
Classification: Uncertain significance. Last evaluated: 2016-09-04. Review status: criteria provided, single submitter. Criteria: ARUP Molecular Germline Variant Investigation Process. Collection method: clinical testing. Allele origin: germline.

Breakthrough Genomics
Classification: Uncertain significance. Review status: criteria provided, single submitter. Criteria: ACMG Guidelines, 2015. Collection method: not provided. Allele origin: germline. Inheritance: Autosomal recessive inheritance. Affected: yes.

Literature cited by the submitters: PubMed 29482223 (cited by Women's Health and Genetics/Laboratory Corporation of America, LabCorp and Labcorp Genetics (formerly Invitae), Labcorp); PubMed 31785789 (cited by Women's Health and Genetics/Laboratory Corporation of America, LabCorp); PubMed 35982159 (cited by Women's Health and Genetics/Laboratory Corporation of America, LabCorp); PubMed 33057194 (cited by Women's Health and Genetics/Laboratory Corporation of America, LabCorp).